The following is an entry in ClinVar:

ClinVar aggregate classification (germline): Uncertain significance. Review status: criteria provided, multiple submitters, no conflicts (2 of 4 stars). 2 submissions from 2 submitters: Uncertain significance (2). Last evaluated 2024-08-20.

Conditions:
Inborn genetic diseases. Identifiers: MedGen C0950123, MeSH D030342.
Aortic valve disease 2 (AOVD2). Identifiers: MedGen C3542024, MONDO:0013902, OMIM 614823.

Submissions (2):

Labcorp Genetics (formerly Invitae), Labcorp
Classification: Uncertain significance for Aortic valve disease 2. Last evaluated: 2024-08-20. Review status: criteria provided, single submitter. Criteria: Invitae Variant Classification Sherloc (09022015). Collection method: clinical testing. Allele origin: germline.
Comment: This sequence change replaces serine, which is neutral and polar, with proline, which is neutral and non-polar, at codon 58 of the SMAD6 protein (p.Ser58Pro). This variant is not present in population databases (gnomAD no frequency). This variant has not been reported in the literature in individuals affected with SMAD6-related conditions. ClinVar contains an entry for this variant (Variation ID: 2534610). An algorithm developed to predict the effect of missense changes on protein structure and function outputs the following: PolyPhen-2: "Benign". The proline amino acid residue is found in multiple mammalian species, which suggests that this missense change does not adversely affect protein function. In summary, the available evidence is currently insufficient to determine the role of this variant in disease. Therefore, it has been classified as a Variant of Uncertain Significance.

Ambry Genetics
Classification: Uncertain significance for Inborn genetic diseases. Last evaluated: 2023-04-07. Review status: criteria provided, single submitter. Criteria: Ambry Variant Classification Scheme 2023. Collection method: clinical testing. Allele origin: germline.

NM_005585.5(SMAD6):c.172T>C (p.Ser58Pro)

Gene: SMAD6 (SMAD family member 6; plus strand). Cytogenetic location: 15q22.31.
Variant type: single nucleotide variant.
Coding change: c.172T>C on transcript NM_005585.5 (MANE Select); coding-DNA position 172, T replaced by C.
Protein change: p.Ser58Pro; replaces serine 58 with proline.
Molecular consequence: missense variant. On other transcripts: non-coding transcript variant (1).
Genome position (GRCh38, 1-based): chr15:66,703,430, T>C. VCF-style: chr15-66703430-T-C. GRCh37 (hg19) VCF-style: chr15-66995768-T-C.
Other names: short protein forms S58P.
Identifiers: ClinVar variation 2534610 (VCV002534610.5), dbSNP rs2545310829, ClinGen allele CA392948799.